The following is an entry in ClinVar:

ClinVar aggregate classification (germline): Uncertain significance. Review status: criteria provided, multiple submitters, no conflicts (2 of 4 stars). 2 submissions from 2 submitters: Uncertain significance (2). Last evaluated 2024-10-15.

Conditions:
Inborn genetic diseases. Identifiers: MedGen C0950123, MeSH D030342.

Allele frequency attached by ClinVar (database versions not stated): gnomAD exomes below 0.00001; TOPMed 0.00001; gnomAD 0.00002.
gnomAD v4.1: 7 of 1,614,002 alleles (0.00043%); highest among the groups gnomAD compares: Admixed American, 0.0033%; no homozygotes.

Submissions (2):

Labcorp Genetics (formerly Invitae), Labcorp
Classification: Uncertain significance. Last evaluated: 2024-10-15. Review status: criteria provided, single submitter. Criteria: Invitae Variant Classification Sherloc (09022015). Collection method: clinical testing. Allele origin: germline.
Comment: This sequence change replaces tyrosine, which is neutral and polar, with cysteine, which is neutral and slightly polar, at codon 304 of the C8B protein (p.Tyr304Cys). This variant is present in population databases (no rsID available, gnomAD 0.003%). This variant has not been reported in the literature in individuals affected with C8B-related conditions. ClinVar contains an entry for this variant (Variation ID: 1382123). An algorithm developed to predict the effect of missense changes on protein structure and function (PolyPhen-2) suggests that this variant is likely to be disruptive. In summary, the available evidence is currently insufficient to determine the role of this variant in disease. Therefore, it has been classified as a Variant of Uncertain Significance.

Ambry Genetics
Classification: Uncertain significance for Inborn genetic diseases. Last evaluated: 2022-09-14. Review status: criteria provided, single submitter. Criteria: Ambry Variant Classification Scheme 2023. Collection method: clinical testing. Allele origin: germline.

NM_000066.4(C8B):c.911A>G (p.Tyr304Cys)

Gene: C8B (complement C8 beta chain; minus strand). Cytogenetic location: 1p32.2.
Variant type: single nucleotide variant.
Coding change: c.911A>G on transcript NM_000066.4 (MANE Select); coding-DNA position 911, A replaced by G.
Protein change: p.Tyr304Cys; replaces tyrosine 304 with cysteine.
Molecular consequence: missense variant.
Genome position (GRCh38, 1-based): chr1:56,946,015, T>C on the plus strand (A>G on the coding strand, the complement: C8B is on the minus strand). VCF-style: chr1-56946015-T-C. GRCh37 (hg19) VCF-style: chr1-57411688-T-C.
Other names: c.755A>G, p.Tyr252Cys (NM_001278543.2); c.725A>G, p.Tyr242Cys (NM_001278544.2); c.911A>G (NM_000066.2); short protein forms Y304C, Y242C, Y252C.
Identifiers: ClinVar variation 1382123 (VCV001382123.8), dbSNP rs1374819900, ClinGen allele CA340528648.
Genomic context (GRCh38, chr1:56,946,015, plus strand): 5'-AGCCGCTTAACTCTCTGAAGGAACTCGTAATGGAGCATGAGGCTTCTGGGTTTCAGCTTG[T>C]AATGTGCTACTTCAAGGTCAGAGCGTGCATGCAGAAATACGCTTTTCTAAATGAAATACC-3'
Protein context (NP_000057.3, residues 294-314): HARSDLEVAH[Tyr304Cys]KLKPRSLMLH